The following is an entry in ClinVar:

ClinVar aggregate classification (germline): Likely benign (0 of 4 stars; one submission).

Conditions:
SH2B1-related disorder. Also called: SH2B1-related condition.

gnomAD v4.1: 19 of 1,614,190 alleles (0.0012%); highest among the groups gnomAD compares: Non-Finnish European, 0.0016%; no homozygotes.

Submission:

PreventionGenetics, part of Exact Sciences
Classification: Likely benign for SH2B1-related condition. Last evaluated: 2024-01-03. Review status: no assertion criteria provided. Collection method: clinical testing. Allele origin: germline.
Comment: This variant is classified as likely benign based on ACMG/AMP sequence variant interpretation guidelines (Richards et al. 2015 PMID: 25741868, with internal and published modifications).

NM_001387430.1(SH2B1):c.1776G>C (p.Leu592=)

Gene: SH2B1 (SH2B adaptor protein 1; plus strand). Cytogenetic location: 16p11.2.
Variant type: single nucleotide variant.
Coding change: c.1776G>C on transcript NM_001387430.1 (MANE Select); coding-DNA position 1776, G replaced by C.
Protein change: p.Leu592=; no amino-acid change (leucine 592 retained).
Molecular consequence: synonymous variant.
Genome position (GRCh38, 1-based): chr16:28,872,584, G>C. VCF-style: chr16-28872584-G-C. GRCh37 (hg19) VCF-style: chr16-28883905-G-C.
Other names: c.1776G>C, p.Leu592= (NM_001145795.2, NM_001145796.2, NM_001145797.2 and 4 more transcripts); c.768G>C, p.Leu256= (NM_001308294.2).
Identifiers: ClinVar variation 3356687 (VCV003356687.1).
Genomic context (GRCh38, chr16:28,872,584, plus strand): 5'-CCGCCCTCAGCACCTGCGTTTGTCGCTGAACGAGGAGGGTCAGTGCCGGGTCCAGCACCT[G>C]TGGTTCCAGTCCATTTTCGATATGCTCGAGCACTTCCGGGTGCACCCCATCCCTTTGGAG-3'
Protein context (NP_001374359.1, residues 582-602): NEEGQCRVQH[Leu592=]WFQSIFDMLE